The following is an entry in ClinVar:

ClinVar aggregate classification (germline): Likely benign (1 of 4 stars; one submission).

Submission:

CeGaT Center for Human Genetics Tuebingen
Classification: Likely benign. Last evaluated: 2024-01-01. Review status: criteria provided, single submitter. Criteria: CeGaT Center For Human Genetics Tuebingen Variant Classification Criteria Version 2. Collection method: clinical testing. Allele origin: germline. Affected: yes. Observed: 1 variant allele.
Comment: LAMB1: PM2:Supporting, BP4, BP7

NM_002291.3(LAMB1):c.3171T>A (p.Leu1057=)

Gene: LAMB1 (laminin subunit beta 1; minus strand). Cytogenetic location: 7q31.1.
Variant type: single nucleotide variant.
Coding change: c.3171T>A on transcript NM_002291.3 (MANE Select); coding-DNA position 3171, T replaced by A.
Protein change: p.Leu1057=; no amino-acid change (leucine 1057 retained).
Molecular consequence: synonymous variant.
Genome position (GRCh38, 1-based): chr7:107,952,132, A>T on the plus strand (T>A on the coding strand, the complement: LAMB1 is on the minus strand). VCF-style: chr7-107952132-A-T. GRCh37 (hg19) VCF-style: chr7-107592577-A-T.
Identifiers: ClinVar variation 3026926 (VCV003026926.22), dbSNP rs2535432982, ClinGen allele CA457107950.